The following is an entry in ClinVar:

ClinVar aggregate classification (germline): Uncertain significance (1 of 4 stars; one submission).

Conditions:
Hereditary breast ovarian cancer syndrome. Also called: Hereditary breast and ovarian cancer syndrome; Hereditary breast and/or ovarian cancer syndrome; Hereditary breast and ovarian cancer; Breast and ovarian cancer; Hereditary breast and ovarian cancer syndrome (HBOC); BRCA1- and BRCA2-Associated Hereditary Breast and Ovarian Cancer. Identifiers: Orphanet 145, MedGen C0677776, MeSH D061325, MONDO:0003582. Disease mechanism: loss of function.

Submission:

Labcorp Genetics (formerly Invitae), Labcorp
Classification: Uncertain significance for Hereditary breast ovarian cancer syndrome. Last evaluated: 2024-08-10. Review status: criteria provided, single submitter. Criteria: Invitae Variant Classification Sherloc (09022015). Collection method: clinical testing. Allele origin: germline.
Comment: This variant occurs in a non-coding region of the BRCA2 gene. It does not change the encoded amino acid sequence of the BRCA2 protein. This variant is not present in population databases (gnomAD no frequency). This variant has not been reported in the literature in individuals affected with BRCA2-related conditions. In summary, the available evidence is currently insufficient to determine the role of this variant in disease. Therefore, it has been classified as a Variant of Uncertain Significance.

NM_000059.4(BRCA2):c.-38C>A

Gene: BRCA2 (BRCA2 DNA repair associated; plus strand). Cytogenetic location: 13q13.1.
Variant type: single nucleotide variant.
Coding change: c.-38C>A on transcript NM_000059.4 (MANE Select); 38 bases upstream of the start codon, C replaced by A.
Molecular consequence: 5 prime UTR variant. On other transcripts: non-coding transcript variant (1), intron variant (1).
Genome position (GRCh38, 1-based): chr13:32,316,423, C>A. VCF-style: chr13-32316423-C-A. GRCh37 (hg19) VCF-style: chr13-32890560-C-A.
Other names: c.-38C>A (NM_001406719.1, NM_001406720.1, NM_001406721.1 and 1 more transcripts); c.-303+756C>A (NM_001406722.1).
Identifiers: ClinVar variation 3661868 (VCV003661868.2).